The following is an entry in ClinVar:

NM_031885.5(BBS2):c.117+8C>G

Gene: BBS2 (Bardet-Biedl syndrome 2; minus strand). Cytogenetic location: 16q13.
Variant type: single nucleotide variant.
Coding change: c.117+8C>G on transcript NM_031885.5 (MANE Select); 8 bases into the intron after coding-DNA position 117, C replaced by G.
Molecular consequence: intron variant.
Genome position (GRCh38, 1-based): chr16:56,519,738, G>C on the plus strand (C>G on the coding strand, the complement: BBS2 is on the minus strand). VCF-style: chr16-56519738-G-C. GRCh37 (hg19) VCF-style: chr16-56553650-G-C.
Other names: c.117+8C>G (NM_001377456.1, NM_031885.3).
Identifiers: ClinVar variation 1604254 (VCV001604254.10), dbSNP rs1474535437, ClinGen allele CA622313764.

ClinVar aggregate classification (germline): Likely benign. Review status: criteria provided, multiple submitters, no conflicts (2 of 4 stars). 3 submissions from 3 submitters: Likely benign (2). 1 of the submissions does not count toward it. Last evaluated 2023-04-09.

Conditions:
Bardet-Biedl syndrome (BBS). Identifiers: Orphanet 110, MedGen C0752166, MONDO:0015229.
BBS2-related disorder. Also called: BBS2-related disorders; BBS2-related condition. Identifiers: MedGen CN239228.

Allele frequency attached by ClinVar (database versions not stated): gnomAD exomes below 0.00001 and 0.00002; TOPMed below 0.00001.
gnomAD v4.1: 30 of 1,609,010 alleles (0.0019%); highest among the groups gnomAD compares: Non-Finnish European, 0.0026%; no homozygotes.

Submissions (3):

Labcorp Genetics (formerly Invitae), Labcorp
Classification: Likely benign for Bardet-Biedl syndrome. Last evaluated: 2023-04-09. Review status: criteria provided, single submitter. Criteria: Invitae Variant Classification Sherloc (09022015). Collection method: clinical testing. Allele origin: germline.

Blueprint Genetics
Classification: Likely benign. Last evaluated: 2022-05-12. Review status: criteria provided, single submitter. Criteria: ACMG Guidelines, 2015. Collection method: clinical testing. Allele origin: germline.

PreventionGenetics, part of Exact Sciences
Classification: Likely benign for BBS2-related condition. Last evaluated: 2024-05-08. Review status: no assertion criteria provided. Collection method: clinical testing. Allele origin: germline. Not counted in ClinVar's aggregate classification.
Comment: This variant is classified as likely benign based on ACMG/AMP sequence variant interpretation guidelines (Richards et al. 2015 PMID: 25741868, with internal and published modifications).